The following is an entry in ClinVar:

NM_022124.6(CDH23):c.535G>A (p.Ala179Thr)

Gene: CDH23 (cadherin related 23; plus strand). Cytogenetic location: 10q22.1.
Variant type: single nucleotide variant.
Coding change: c.535G>A on transcript NM_022124.6 (MANE Select); coding-DNA position 535, G replaced by A.
Protein change: p.Ala179Thr; replaces alanine 179 with threonine.
Molecular consequence: missense variant.
Genome position (GRCh38, 1-based): chr10:71,566,847, G>A. VCF-style: chr10-71566847-G-A. GRCh37 (hg19) VCF-style: chr10-73326604-G-A.
Other names: c.535G>A, p.Ala179Thr (NM_001171930.2, NM_001171931.2, NM_001171932.2 and 1 more transcripts); short protein forms A179T.
Identifiers: ClinVar variation 227228 (VCV000227228.11), dbSNP rs371422466, ClinGen allele CA5543466.
Genomic context (GRCh38, chr10:71,566,847, plus strand): 5'-CCCGACTTGGGGGCAGGGGGCAGCGTCCTCTACTCCTTCCAGCCCCCCTCCCAATTCTTC[G>A]CCATTGACAGCGCCCGCGGTATCGTCACAGTGATCCGGGAGCTGGACTACGAGACCACAC-3'
Protein context (NP_071407.4, residues 169-189): YSFQPPSQFF[Ala179Thr]IDSARGIVTV

ClinVar aggregate classification (germline): Conflicting classifications of pathogenicity. Review status: criteria provided, conflicting classifications (1 of 4 stars). 4 submissions from 4 submitters: Uncertain significance (3); Likely benign (1). Last evaluated 2026-08-01.

Conditions:
CDH23-related disorder. Also called: CDH23-related condition; CDH23-related disorders.

Allele frequency attached by ClinVar (database versions not stated): ExAC 0.00002; gnomAD exomes 0.00002 and 0.00003; TOPMed 0.00002; gnomAD 0.00003; ESP Exome Variant Server 0.00008; 1000 Genomes Project 30x 0.00016; 1000 Genomes Project 0.00020.
gnomAD v4.1: 43 of 1,613,924 alleles (0.0027%); highest among the groups gnomAD compares: South Asian, 0.0033%; no homozygotes.

Submissions (4):

PreventionGenetics, part of Exact Sciences
Classification: Uncertain significance for CDH23-related condition. Last evaluated: 2026-08-01. Review status: criteria provided, single submitter. Criteria: ACMG Guidelines, 2015. Collection method: clinical testing. Allele origin: germline.
Comment: The CDH23 c.535G>A variant is predicted to result in the amino acid substitution p.Ala179Thr. This variant was reported in an individual with hearing loss (Table S4, Sloan-Heggen et al. 2015. PubMed ID: 26445815). This variant is reported in 0.0065% of alleles in individuals of South Asian descent in gnomAD. At this time, the clinical significance of this variant is uncertain due to the absence of conclusive functional and genetic evidence.

Labcorp Genetics (formerly Invitae), Labcorp
Classification: Uncertain significance. Last evaluated: 2024-08-19. Review status: criteria provided, single submitter. Criteria: Invitae Variant Classification Sherloc (09022015). Collection method: clinical testing. Allele origin: germline.
Comment: This sequence change replaces alanine, which is neutral and non-polar, with threonine, which is neutral and polar, at codon 179 of the CDH23 protein (p.Ala179Thr). This variant is present in population databases (rs371422466, gnomAD 0.007%). This missense change has been observed in individual(s) with deafness (PMID: 26445815). ClinVar contains an entry for this variant (Variation ID: 227228). Invitae Evidence Modeling of protein sequence and biophysical properties (such as structural, functional, and spatial information, amino acid conservation, physicochemical variation, residue mobility, and thermodynamic stability) indicates that this missense variant is not expected to disrupt CDH23 protein function with a negative predictive value of 95%. In summary, the available evidence is currently insufficient to determine the role of this variant in disease. Therefore, it has been classified as a Variant of Uncertain Significance.

Blueprint Genetics
Classification: Uncertain significance. Last evaluated: 2023-09-05. Review status: criteria provided, single submitter. Criteria: ACMG Guidelines, 2015. Collection method: clinical testing. Allele origin: germline.

Laboratory for Molecular Medicine, Mass General Brigham Personalized Medicine
Classification: Likely benign. Last evaluated: 2015-05-28. Review status: criteria provided, single submitter. Criteria: LMM Criteria. Collection method: clinical testing. Allele origin: germline. Observed: 1 variant allele.
Comment: p.Ala179Thr in exon 7 of CDH23: This variant is not expected to have clinical si gnificance due to a lack of conservation across species, including mammals. Of note, 6 different mammals have a threonine (Thr) at this position despite high n earby amino acid sequence conservation. In addition, computational prediction t ools do not suggest a high likelihood of impact to the protein. It has been iden tified in 2/120284 chromosomes by the Exome Aggregation Consortium (ExAC; dbSNP rs371422466).

Literature cited by the submitters: PubMed 26445815 (cited by Labcorp Genetics (formerly Invitae), Labcorp).